The following is an entry in ClinVar:

NM_001244008.2(KIF1A):c.721-13T>G

Gene: KIF1A (kinesin family member 1A; minus strand). Cytogenetic location: 2q37.3.
Variant type: single nucleotide variant.
Coding change: c.721-13T>G on transcript NM_001244008.2 (MANE Select); 13 bases into the intron before coding-DNA position 721, T replaced by G.
Molecular consequence: intron variant.
Genome position (GRCh38, 1-based): chr2:240,783,829, A>C on the plus strand (T>G on the coding strand, the complement: KIF1A is on the minus strand). VCF-style: chr2-240783829-A-C. GRCh37 (hg19) VCF-style: chr2-241723246-A-C.
Other names: c.721-13T>G (NM_001379653.1, NM_001379650.1, NM_001379645.1 and 20 more transcripts).
Identifiers: ClinVar variation 2943930 (VCV002943930.3), dbSNP rs2538278547, ClinGen allele CA2740096539.

ClinVar aggregate classification (germline): Uncertain significance (1 of 4 stars; one submission).

Conditions:
Neuropathy, hereditary sensory, type 2C. Also called: KIF1A-Related HSAN2 (HSAN2C); Hereditary sensory and autonomic neuropathy type IIC. Identifiers: Orphanet 970, MedGen C3280168, MONDO:0013634, OMIM 614213.
Hereditary spastic paraplegia 30. Identifiers: Orphanet 101010, MedGen C5235139, MONDO:0012476.
Intellectual disability, autosomal dominant 9 (NESCAVS). Also called: NESCAV SYNDROME; KIF1A-Related Neurodevelopmental Disorder. Identifiers: Orphanet 662367, MedGen C5393830, MONDO:0013656, OMIM 614255.

Submission:

Labcorp Genetics (formerly Invitae), Labcorp
Classification: Uncertain significance for Hereditary spastic paraplegia 30; Neuropathy, hereditary sensory, type 2C; Intellectual disability, autosomal dominant 9. Last evaluated: 2024-04-22. Review status: criteria provided, single submitter. Criteria: Invitae Variant Classification Sherloc (09022015). Collection method: clinical testing. Allele origin: germline.
Comment: This sequence change falls in intron 6 of the KIF1A gene. It does not directly change the encoded amino acid sequence of the KIF1A protein. This variant is not present in population databases (gnomAD no frequency). This variant has not been reported in the literature in individuals affected with KIF1A-related conditions. Algorithms developed to predict the effect of sequence changes on RNA splicing suggest that this variant may disrupt the consensus splice site. In summary, the available evidence is currently insufficient to determine the role of this variant in disease. Therefore, it has been classified as a Variant of Uncertain Significance.